The following is an entry in ClinVar:

NM_000368.5(TSC1):c.2625+19G>A

Gene: TSC1 (TSC complex subunit 1; minus strand). Cytogenetic location: 9q34.13.
Variant type: single nucleotide variant.
Coding change: c.2625+19G>A on transcript NM_000368.5 (MANE Select); 19 bases into the intron after coding-DNA position 2625, G replaced by A.
Molecular consequence: intron variant.
Genome position (GRCh38, 1-based): chr9:132,900,696, C>T on the plus strand (G>A on the coding strand, the complement: TSC1 is on the minus strand). VCF-style: chr9-132900696-C-T. GRCh37 (hg19) VCF-style: chr9-135776083-C-T.
Other names: c.2262+19G>A (NM_001362177.2); c.2472+19G>A (NM_001162427.2); c.2622+19G>A (NM_001162426.2).
Identifiers: ClinVar variation 255949 (VCV000255949.12), dbSNP rs200135828, ClinGen allele CA033565.

ClinVar aggregate classification (germline): Benign/Likely benign. Review status: criteria provided, multiple submitters, no conflicts (2 of 4 stars). 5 submissions from 5 submitters: Benign (2); Likely benign (3). Last evaluated 2026-01-26.

Conditions:
Tuberous sclerosis 1 (TSC1). Identifiers: Orphanet 805, MedGen C1854465, MONDO:0008612, OMIM 191100.

Allele frequency attached by ClinVar (database versions not stated): gnomAD exomes 0.00003 and 0.00011; ExAC 0.00015; gnomAD 0.00034 and 0.00037; 1000 Genomes Project 0.00040; TOPMed 0.00042; 1000 Genomes Project 30x 0.00047; ESP Exome Variant Server 0.00069.
gnomAD v4.1: 105 of 1,613,850 alleles (0.0065%); highest among the groups gnomAD compares: African/African-American, 0.13%; no homozygotes.

Submissions (5):

Labcorp Genetics (formerly Invitae), Labcorp
Classification: Benign for Tuberous sclerosis 1. Last evaluated: 2026-01-26. Review status: criteria provided, single submitter. Criteria: Invitae Variant Classification Sherloc (09022015). Collection method: clinical testing. Allele origin: germline.

Blueprint Genetics
Classification: Likely benign. Last evaluated: 2023-12-05. Review status: criteria provided, single submitter. Criteria: ACMG Guidelines, 2015. Collection method: clinical testing. Allele origin: germline.

Genome-Nilou Lab
Classification: Benign for Tuberous sclerosis 1. Last evaluated: 2021-11-07. Review status: criteria provided, single submitter. Criteria: ACMG Guidelines, 2015. Collection method: clinical testing. Allele origin: germline. Affected: no.

GeneDx
Classification: Likely benign. Last evaluated: 2017-01-13. Review status: criteria provided, single submitter. Criteria: GeneDx Variant Classification (06012015). Collection method: clinical testing. Allele origin: germline. Affected: yes.
Comment: This variant is considered likely benign or benign based on one or more of the following criteria: it is a conservative change, it occurs at a poorly conserved position in the protein, it is predicted to be benign by multiple in silico algorithms, and/or has population frequency not consistent with disease.

PreventionGenetics, part of Exact Sciences
Classification: Likely benign. Review status: criteria provided, single submitter. Criteria: ACMG Guidelines, 2015. Collection method: clinical testing. Allele origin: germline.